The following is an entry in ClinVar:

NM_014974.3(DIP2C):c.1888T>C (p.Ser630Pro)

Gene: DIP2C (disco interacting protein 2 homolog C; minus strand). Cytogenetic location: 10p15.3.
Variant type: single nucleotide variant.
Coding change: c.1888T>C on transcript NM_014974.3 (MANE Select); coding-DNA position 1888, T replaced by C.
Protein change: p.Ser630Pro; replaces serine 630 with proline.
Molecular consequence: missense variant.
Genome position (GRCh38, 1-based): chr10:382,750, A>G on the plus strand (T>C on the coding strand, the complement: DIP2C is on the minus strand). VCF-style: chr10-382750-A-G. GRCh37 (hg19) VCF-style: chr10-428690-A-G.
Other names: short protein forms S630P.
Identifiers: ClinVar variation 3602809 (VCV003602809.1).

ClinVar aggregate classification (germline): Uncertain significance (1 of 4 stars; one submission).

Submission:

GeneDx
Classification: Uncertain significance. Last evaluated: 2024-08-05. Review status: criteria provided, single submitter. Criteria: GeneDx Variant Classification Process June 2021. Collection method: clinical testing. Allele origin: germline. Affected: yes.
Comment: Not observed at significant frequency in large population cohorts (gnomAD); In silico analysis supports that this missense variant has a deleterious effect on protein structure/function; Has not been previously published as pathogenic or benign to our knowledge